The following is an entry in ClinVar:

ClinVar aggregate classification (germline): Conflicting classifications of pathogenicity. Review status: criteria provided, conflicting classifications (1 of 4 stars). 8 submissions from 7 submitters: Uncertain significance (2); Likely benign (6). Last evaluated 2026-01-28.

Conditions:
Joubert syndrome 9 (JBTS9). Identifiers: Orphanet 2318, MedGen C2676788, MONDO:0012849, OMIM 612285.
Joubert syndrome. Also called: Familial aplasia of the vermis; JOUBERT-BOLTSHAUSER SYNDROME. Identifiers: Orphanet 475, MedGen C5979921, MONDO:0018772.
Meckel-Gruber syndrome. Also called: Dysencephalia splachnocystica; DYSENCEPHALIA SPLANCHNOCYSTICA; GRUBER SYNDROME. Identifiers: Orphanet 564, MedGen C0265215, MONDO:0018921.
Meckel syndrome, type 6. Identifiers: Orphanet 564, MedGen C2676790, MONDO:0012848, OMIM 612284.

Allele frequency attached by ClinVar (database versions not stated): gnomAD exomes 0.00045; ExAC 0.00092; ESP Exome Variant Server 0.00179; 1000 Genomes Project 0.00240; gnomAD 0.00240 and 0.00265; TOPMed 0.00253; 1000 Genomes Project 30x 0.00281.
gnomAD v4.1: 705 of 1,552,664 alleles (0.045%); highest among the groups gnomAD compares: African/African-American, 0.82%; 1 homozygote.

Submissions (8):

Labcorp Genetics (formerly Invitae), Labcorp
Classification: Likely benign for Joubert syndrome; Meckel-Gruber syndrome. Last evaluated: 2026-01-28. Review status: criteria provided, single submitter. Criteria: Invitae Variant Classification Sherloc (09022015). Collection method: clinical testing. Allele origin: germline.

Genetic Services Laboratory, University of Chicago
Classification: Uncertain significance. Last evaluated: 2025-10-06. Review status: criteria provided, single submitter. Criteria: ACMG Guidelines, 2015. Collection method: clinical testing. Allele origin: germline.
Comment: DNA sequence analysis of the CC2D2A gene demonstrated a sequence change, c.4459C>T, in exon 36 that results in an amino acid change, p.Arg1487Cys. This sequence change has been described in the gnomAD database with a frequency of 0.70% in the African/African American subpopulation (dbSNP rs186486235). The p.Arg1487Cys change affects a moderately conserved amino acid residue located in a domain of the CC2D2A protein that is not known to be functional. In-silico pathogenicity prediction tools (SIFT, PolyPhen2, Align GVGD, REVEL) provide contradictory results for the p.Arg258Cys substitution. This sequence change does not appear to have been previously described in individuals with CC2D2A-related disorders. Due to insufficient evidence and the lack of functional studies, the clinical significance of the p.Arg1487Cys change remains unknown at this time.

Mayo Clinic Laboratories, Mayo Clinic
Classification: Likely benign. Last evaluated: 2025-06-20. Review status: criteria provided, single submitter. Criteria: ACMG Guidelines, 2015. Collection method: clinical testing. Allele origin: germline. Observed: 2 variant alleles.
Comment: BS1, BP4_moderate

Blueprint Genetics
Classification: Likely benign. Last evaluated: 2024-07-24. Review status: criteria provided, single submitter. Criteria: ACMG Guidelines, 2015. Collection method: clinical testing. Allele origin: germline.

GeneDx
Classification: Likely benign. Last evaluated: 2018-03-07. Review status: criteria provided, single submitter. Criteria: GeneDx Variant Classification (06012015). Collection method: clinical testing. Allele origin: germline. Affected: yes.
Comment: This variant is considered likely benign or benign based on one or more of the following criteria: it is a conservative change, it occurs at a poorly conserved position in the protein, it is predicted to be benign by multiple in silico algorithms, and/or has population frequency not consistent with disease.

Illumina Laboratory Services, Illumina
Classification: Likely benign for Joubert syndrome 9. Last evaluated: 2018-01-13. Review status: criteria provided, single submitter. Criteria: ICSL Variant Classification Criteria 13 December 2019. Collection method: clinical testing. Allele origin: germline.
Comment: This variant was observed in the ICSL laboratory as part of a predisposition screen in an ostensibly healthy population. It had not been previously curated by ICSL or reported in the Human Gene Mutation Database (HGMD: prior to June 1st, 2018), and was therefore a candidate for classification through an automated scoring system. Utilizing variant allele frequency, disease prevalence and penetrance estimates, and inheritance mode, an automated score was calculated to assess if this variant is too frequent to cause the disease. Based on the score and internal cut-off values, a variant classified as likely benign is not then subjected to further curation. The score for this variant resulted in a classification of likely benign for this disease.

Illumina Laboratory Services, Illumina
Classification: Uncertain significance for Meckel syndrome, type 6. Last evaluated: 2018-01-13. Review status: criteria provided, single submitter. Criteria: ICSL Variant Classification Criteria 13 December 2019. Collection method: clinical testing. Allele origin: germline.

Eurofins Ntd Llc (ga)
Classification: Likely benign. Last evaluated: 2015-07-09. Review status: criteria provided, single submitter. Criteria: EGL Classification Definitions 2015. Collection method: clinical testing. Allele origin: germline. Observed: 1 variant allele, 1 heterozygote.

NM_001378615.1(CC2D2A):c.4459C>T (p.Arg1487Cys)

Genes: FBXL5 (F-box and leucine rich repeat protein 5; minus strand), CC2D2A (coiled-coil and C2 domain containing 2A; plus strand). Cytogenetic location: 4p15.32.
Variant type: single nucleotide variant.
Coding change: c.4459C>T on transcript NM_001378615.1 (MANE Select); coding-DNA position 4459, C replaced by T.
Protein change: p.Arg1487Cys; replaces arginine 1487 with cysteine.
Molecular consequence: missense variant.
Genome position (GRCh38, 1-based): chr4:15,597,428, C>T. VCF-style: chr4-15597428-C-T. GRCh37 (hg19) VCF-style: chr4-15599051-C-T.
Other names: p.Arg1487Cys; c.4459C>T, p.Arg1487Cys (NM_001080522.2); c.4312C>T, p.Arg1438Cys (NM_001378617.1); short protein forms R1487C, R1438C.
Identifiers: ClinVar variation 238281 (VCV000238281.27), dbSNP rs186486235, ClinGen allele CA2864389.